The following is an entry in ClinVar:

NM_003500.4(ACOX2):c.65T>C (p.Ile22Thr)

Gene: ACOX2 (acyl-CoA oxidase 2; minus strand). Cytogenetic location: 3p14.3.
Variant type: single nucleotide variant.
Coding change: c.65T>C on transcript NM_003500.4 (MANE Select); coding-DNA position 65, T replaced by C.
Protein change: p.Ile22Thr; replaces isoleucine 22 with threonine.
Molecular consequence: missense variant.
Genome position (GRCh38, 1-based): chr3:58,535,042, A>G on the plus strand (T>C on the coding strand, the complement: ACOX2 is on the minus strand). VCF-style: chr3-58535042-A-G. GRCh37 (hg19) VCF-style: chr3-58520769-A-G.
Other names: short protein forms I22T.
Identifiers: ClinVar variation 3657840 (VCV003657840.2).

ClinVar aggregate classification (germline): Uncertain significance (1 of 4 stars; one submission).

gnomAD v4.1: 4 of 1,614,084 alleles (0.00025%); highest among the groups gnomAD compares: Non-Finnish European, 0.00034%; no homozygotes.

Submission:

Labcorp Genetics (formerly Invitae), Labcorp
Classification: Uncertain significance. Last evaluated: 2024-06-26. Review status: criteria provided, single submitter. Criteria: Invitae Variant Classification Sherloc (09022015). Collection method: clinical testing. Allele origin: germline.
Comment: This sequence change replaces isoleucine, which is neutral and non-polar, with threonine, which is neutral and polar, at codon 22 of the ACOX2 protein (p.Ile22Thr). This variant is present in population databases (no rsID available, gnomAD 0.007%). This variant has not been reported in the literature in individuals affected with ACOX2-related conditions. An algorithm developed to predict the effect of missense changes on protein structure and function (PolyPhen-2) suggests that this variant is likely to be disruptive. In summary, the available evidence is currently insufficient to determine the role of this variant in disease. Therefore, it has been classified as a Variant of Uncertain Significance.